The following is an entry in ClinVar:

NM_003632.3(CNTNAP1):c.3394C>T (p.Gln1132Ter)

Gene: CNTNAP1 (contactin associated protein 1; plus strand). Cytogenetic location: 17q21.2.
Variant type: single nucleotide variant.
Coding change: c.3394C>T on transcript NM_003632.3 (MANE Select); coding-DNA position 3394, C replaced by T.
Protein change: p.Gln1132Ter; replaces glutamine 1132 with a stop codon.
Molecular consequence: nonsense.
Genome position (GRCh38, 1-based): chr17:42,696,072, C>T. VCF-style: chr17-42696072-C-T. GRCh37 (hg19) VCF-style: chr17-40848090-C-T.
Other names: short protein forms Q1132*.
Identifiers: ClinVar variation 1693283 (VCV001693283.3), dbSNP rs2143676048, ClinGen allele CA399625418.
Genomic context (GRCh38, chr17:42,696,072, plus strand): 5'-CCCCACCCCACAGGGACCCTTCAGCTGCGATATCAGCTGGGCACCAGTCCCTACGTGTAC[C>T]AGCTAACCACTCGACCAGTGACCGATGGCCAGCCCCATAGCATCAATATCACCCGTGTTT-3'

ClinVar aggregate classification (germline): Likely pathogenic (1 of 4 stars; one submission).

Conditions:
Congenital hypomyelination neuropathy with or without arthrogryposis.

Submission:

Illumina Laboratory Services, Illumina
Classification: Likely pathogenic for Congenital hypomyelination neuropathy with or without arthrogryposis. Last evaluated: 2022-02-02. Review status: criteria provided, single submitter. Criteria: ICSLVariantClassificationCriteria RUGD 01 April 2020. Collection method: clinical testing. Allele origin: unknown.
Comment: The CNTNAP1 c.3394C>T (p.Gln1132Ter) nonsense variant results in the substitution of glutamine at amino acid position 1132 with a stop codon. Loss of normal protein function through either protein truncation or nonsense-mediated mRNA decay is expected. To our knowledge, this variant has not been reported in the peer-reviewed literature. This variant is not found in version 2.1.1 or version 3.1.2 of the Genome Aggregation Database. Based on the available evidence, the c.3394C>T (p.Gln1132Ter) variant is classified likely pathogenic for congenital hypomyelination neuropathy with or without arthrogryposis.